The following is an entry in ClinVar:

NM_005419.4(STAT2):c.1463C>T (p.Pro488Leu)

Gene: STAT2 (signal transducer and activator of transcription 2; minus strand). Cytogenetic location: 12q13.3.
Variant type: single nucleotide variant.
Coding change: c.1463C>T on transcript NM_005419.4 (MANE Select); coding-DNA position 1463, C replaced by T.
Protein change: p.Pro488Leu; replaces proline 488 with leucine.
Molecular consequence: missense variant. On other transcripts: intron variant (1).
Genome position (GRCh38, 1-based): chr12:56,349,037, G>A on the plus strand (C>T on the coding strand, the complement: STAT2 is on the minus strand). VCF-style: chr12-56349037-G-A. GRCh37 (hg19) VCF-style: chr12-56742821-G-A.
Other names: c.1430C>T, p.Pro477Leu (NM_001385110.1); c.1364C>T, p.Pro455Leu (NM_001385111.1); c.1463C>T, p.Pro488Leu (NM_001385113.1); c.1442C>T, p.Pro481Leu (NM_001385114.1); c.1451C>T, p.Pro484Leu (NM_198332.2); c.1429-8C>T (NM_001385115.1); short protein forms P477L, P484L, P481L, P455L, P488L.
Identifiers: ClinVar variation 1927202 (VCV001927202.5), dbSNP rs767595068, ClinGen allele CA6630495.
Genomic context (GRCh38, chr12:56,349,037, plus strand): 5'-ACATAGGAGGAGAACTGCCAACTGAGAGCAGGGCCCAGCAAGCTCCAGGGGGCCTTGGGG[G>A]GGTTGGAGAAGAACTGCTGGTTCTGCAGGGGTGGGAGCAGTGTAGGCTGGCTCAGAAGCA-3'
Protein context (NP_005410.1, residues 478-498): NLQNQQFFSN[Pro488Leu]PKAPWSLLGP

ClinVar aggregate classification (germline): Uncertain significance (1 of 4 stars; one submission).

Conditions:
Primary immunodeficiency with post-measles-mumps-rubella vaccine viral infection. Also called: Immunodeficiency 44. Identifiers: Orphanet 431166, MedGen C4225260, MONDO:0014715, OMIM 616636.

Allele frequency attached by ClinVar (database versions not stated): ExAC 0.00001.

Submission:

Labcorp Genetics (formerly Invitae), Labcorp
Classification: Uncertain significance for Primary immunodeficiency with post-measles-mumps-rubella vaccine viral infection. Last evaluated: 2022-05-04. Review status: criteria provided, single submitter. Criteria: Invitae Variant Classification Sherloc (09022015). Collection method: clinical testing. Allele origin: germline.
Comment: This variant has not been reported in the literature in individuals affected with STAT2-related conditions. In summary, the available evidence is currently insufficient to determine the role of this variant in disease. Therefore, it has been classified as a Variant of Uncertain Significance. Advanced modeling of protein sequence and biophysical properties (such as structural, functional, and spatial information, amino acid conservation, physicochemical variation, residue mobility, and thermodynamic stability) performed at Invitae indicates that this missense variant is expected to disrupt STAT2 protein function. This variant is present in population databases (rs767595068, gnomAD 0.0009%). This sequence change replaces proline, which is neutral and non-polar, with leucine, which is neutral and non-polar, at codon 488 of the STAT2 protein (p.Pro488Leu).